The following is an entry in ClinVar:

ClinVar aggregate classification (germline): Pathogenic (1 of 4 stars; one submission).

Conditions:
Alport syndrome. Also called: Hemorrhagic familial nephritis; Hemorrhagic hereditary nephritis; Congenital hereditary hematuria. Identifiers: Orphanet 63, MedGen C1567741, MONDO:0018965.

Submission:

Myriad Genetics, Inc.
Classification: Pathogenic for Alport syndrome. Last evaluated: 2025-08-30. Review status: criteria provided, single submitter. Criteria: Myriad Autosomal Dominant, Autosomal Recessive and X-Linked Classification Criteria (2023). Collection method: clinical testing. Allele origin: unknown.
Comment: NM_000091.4(COL4A3):c.758delA(N253Tfs*70) is expected to be pathogenic in the context of Alport syndrome, COL4A3-related. This variant is predicted to lead to an abnormal or absent protein product due to the creation of a premature termination codon in COL4A3, a gene where loss-of-function variants are known to be pathogenic. Please note: this variant was assessed in the context of healthy population screening.

NM_000091.5(COL4A3):c.758del (p.Asn253fs)

Genes: COL4A3 (collagen type IV alpha 3 chain; plus strand), MFF-DT (MFF divergent transcript; minus strand). Cytogenetic location: 2q36.3.
Variant type: Deletion.
Coding change: c.758del on transcript NM_000091.5 (MANE Select); coding-DNA position 758, one base deleted (A; older notation c.758delA).
Protein change: p.Asn253fs; shifts the reading frame from asparagine 253.
Molecular consequence: frameshift variant.
Genome position (GRCh38, 1-based): chr2:227,253,631, A deleted; the last of 2 consecutive A bases (chr2:227,253,630-227,253,631); deleting either gives the same sequence. VCF-style (leftmost placement, unchanged base first): chr2-227253629-TA-T. GRCh37 (hg19) VCF-style: chr2-228118345-TA-T.
Other names: short protein forms N253fs.
Identifiers: ClinVar variation 5014926 (VCV005014926.1).
Genomic context (GRCh38, chr2:227,253,629, plus strand): 5'-AGGGTTAACAGGACCCCCGGGACCACCAGGAACAGTTATTGTGACCCTAACTGGCCCAGA[TA>T]ACAGAACGGTAACTCTGCGATTTTATGATTAGTGTTGTGCCTTCCCGTGTCTAGGATGAA-3'